The following is an entry in ClinVar:

NM_018206.6(VPS35):c.834T>C (p.Thr278=)

Gene: VPS35 (VPS35 retromer complex component; minus strand). Cytogenetic location: 16q11.2.
Variant type: single nucleotide variant.
Coding change: c.834T>C on transcript NM_018206.6 (MANE Select); coding-DNA position 834, T replaced by C.
Protein change: p.Thr278=; no amino-acid change (threonine 278 retained).
Molecular consequence: synonymous variant.
Genome position (GRCh38, 1-based): chr16:46,676,663, A>G on the plus strand (T>C on the coding strand, the complement: VPS35 is on the minus strand). VCF-style: chr16-46676663-A-G. GRCh37 (hg19) VCF-style: chr16-46710575-A-G.
Identifiers: ClinVar variation 704148 (VCV000704148.20), dbSNP rs148572750, ClinGen allele CA8036970.
Genomic context (GRCh38, chr16:46,676,663, plus strand): 5'-TATGTTCTTCACATTTACATTCTGGTGTAACTCAGCACAGGCCCGAAGAAAAGGATTCAA[A>G]GTCTGGAGGTGAAATTCATCAGGGAAAACCTGAAAATCAAATGATCAATACAAATAAAAG-3'
Protein context (NP_060676.2, residues 268-288): QVFPDEFHLQ[Thr278=]LNPFLRACAE

ClinVar aggregate classification (germline): Benign/Likely benign. Review status: criteria provided, multiple submitters, no conflicts (2 of 4 stars). 5 submissions from 5 submitters: Benign (2); Likely benign (3). Last evaluated 2025-09-10.

Conditions:
Parkinson disease 17 (PARK17). Also called: VPS35-Related Parkinson Disease. Identifiers: Orphanet 411602, MedGen C3280133, MONDO:0013625, OMIM 614203.

Allele frequency attached by ClinVar (database versions not stated): gnomAD exomes 0.00011 and 0.00031; ExAC 0.00027; 1000 Genomes Project 0.00040; 1000 Genomes Project 30x 0.00047; ESP Exome Variant Server 0.00077; gnomAD 0.00084 and 0.00093; TOPMed 0.00103.
gnomAD v4.1: 291 of 1,613,468 alleles (0.018%); highest among the groups gnomAD compares: African/African-American, 0.24%; 2 homozygotes.

Submissions (5):

Labcorp Genetics (formerly Invitae), Labcorp
Classification: Benign for Parkinson disease 17. Last evaluated: 2025-09-10. Review status: criteria provided, single submitter. Criteria: Invitae Variant Classification Sherloc (09022015). Collection method: clinical testing. Allele origin: germline.

CeGaT Center for Human Genetics Tuebingen
Classification: Likely benign. Last evaluated: 2025-08-01. Review status: criteria provided, single submitter. Criteria: CeGaT Center For Human Genetics Tuebingen Variant Classification Criteria Version 2. Collection method: clinical testing. Allele origin: germline. Affected: yes. Observed: 1 variant allele.
Comment: VPS35: BP4, BP7

Blueprint Genetics
Classification: Likely benign. Last evaluated: 2024-08-06. Review status: criteria provided, single submitter. Criteria: ACMG Guidelines, 2015. Collection method: clinical testing. Allele origin: germline.

Fulgent Genetics
Classification: Likely benign for Parkinson disease 17. Last evaluated: 2021-10-08. Review status: criteria provided, single submitter. Criteria: ACMG Guidelines, 2015. Collection method: clinical testing. Allele origin: unknown.

GeneDx
Classification: Benign. Last evaluated: 2020-04-02. Review status: criteria provided, single submitter. Criteria: GeneDx Variant Classification Process June 2021. Collection method: clinical testing. Allele origin: germline. Affected: yes.